The following is an entry in ClinVar:

ClinVar aggregate classification (germline): Benign. Review status: criteria provided, multiple submitters, no conflicts (2 of 4 stars). 2 submissions from 2 submitters: Benign (2). Last evaluated 2018-06-19.

Allele frequency attached by ClinVar (database versions not stated): gnomAD exomes 0.00189; gnomAD 0.01992 and 0.02116; TOPMed 0.02193; 1000 Genomes Project 0.02216; 1000 Genomes Project 30x 0.02436.
gnomAD v4.1: 5,356 of 1,352,760 alleles (0.4%); highest among the groups gnomAD compares: African/African-American, 7%; 176 homozygotes.

Submissions (2):

GeneDx
Classification: Benign. Last evaluated: 2018-06-19. Review status: criteria provided, single submitter. Criteria: GeneDx Variant Classification (06012015). Collection method: clinical testing. Allele origin: germline. Affected: yes.
Comment: This variant is considered likely benign or benign based on one or more of the following criteria: it is a conservative change, it occurs at a poorly conserved position in the protein, it is predicted to be benign by multiple in silico algorithms, and/or has population frequency not consistent with disease.

Breakthrough Genomics
Classification: Benign. Review status: criteria provided, single submitter. Criteria: ACMG Guidelines, 2015. Collection method: not provided. Allele origin: germline. Inheritance: Autosomal recessive inheritance. Affected: yes.

NM_203447.4(DOCK8):c.4785+72A>T

Gene: DOCK8 (dedicator of cytokinesis 8; plus strand). Cytogenetic location: 9p24.3.
Variant type: single nucleotide variant.
Coding change: c.4785+72A>T on transcript NM_203447.4 (MANE Select); 72 bases into the intron after coding-DNA position 4785, A replaced by T.
Molecular consequence: intron variant.
Genome position (GRCh38, 1-based): chr9:432,396, A>T. VCF-style: chr9-432396-A-T. GRCh37 (hg19) VCF-style: chr9-432396-A-T.
Other names: c.4581+72A>T (NM_001193536.2); c.4485+72A>T (NM_001190458.2).
Identifiers: ClinVar variation 676002 (VCV000676002.2), dbSNP rs10974401, ClinGen allele CA187805162.